The following is an entry in ClinVar:

ClinVar aggregate classification (germline): Uncertain significance (1 of 4 stars; one submission).

Conditions:
Cystic fibrosis (CF). Also called: MUCOVISCIDOSIS. Identifiers: Orphanet 586, MedGen C0010674, MONDO:0009061, OMIM 219700. Disease mechanism: loss of function.

Allele frequency attached by ClinVar (database versions not stated): gnomAD exomes 0.00001.
gnomAD v4.1: 4 of 1,599,932 alleles (0.00025%); highest among the groups gnomAD compares: Non-Finnish European, 0.00034%; no homozygotes.

Submission:

Ambry Genetics
Classification: Uncertain significance for Cystic fibrosis. Last evaluated: 2023-08-25. Review status: criteria provided, single submitter. Criteria: Ambry Variant Classification Scheme 2023. Collection method: clinical testing. Allele origin: germline.
Comment: The p.I1383L variant (also known as c.4147A>T), located in coding exon 26 of the CFTR gene, results from an A to T substitution at nucleotide position 4147. The isoleucine at codon 1383 is replaced by leucine, an amino acid with highly similar properties. This amino acid position is conserved. In addition, this alteration is predicted to be tolerated by in silico analysis. Since supporting evidence is limited at this time, the clinical significance of this alteration remains unclear.

NM_000492.4(CFTR):c.4147A>T (p.Ile1383Leu)

Gene: CFTR (CF transmembrane conductance regulator; plus strand). Cytogenetic location: 7q31.2.
Variant type: single nucleotide variant.
Coding change: c.4147A>T on transcript NM_000492.4 (MANE Select); coding-DNA position 4147, A replaced by T.
Protein change: p.Ile1383Leu; replaces isoleucine 1383 with leucine.
Molecular consequence: missense variant.
Genome position (GRCh38, 1-based): chr7:117,665,469, A>T. VCF-style: chr7-117665469-A-T. GRCh37 (hg19) VCF-style: chr7-117305523-A-T.
Other names: short protein forms I1383L.
Identifiers: ClinVar variation 2624955 (VCV002624955.2), dbSNP rs2485182987, ClinGen allele CA368983354.